The following is an entry in ClinVar:

NM_001375524.1(TRRAP):c.11209G>T (p.Ala3737Ser)

Gene: TRRAP (transformation/transcription domain associated protein; plus strand). Cytogenetic location: 7q22.1.
Variant type: single nucleotide variant.
Coding change: c.11209G>T on transcript NM_001375524.1 (MANE Select); coding-DNA position 11209, G replaced by T.
Protein change: p.Ala3737Ser; replaces alanine 3737 with serine.
Molecular consequence: missense variant.
Genome position (GRCh38, 1-based): chr7:99,011,407, G>T. VCF-style: chr7-99011407-G-T. GRCh37 (hg19) VCF-style: chr7-98609030-G-T.
Other names: c.11167G>T, p.Ala3723Ser (NM_001244580.2); c.11080G>T, p.Ala3694Ser (NM_003496.4); short protein forms A3694S, A3723S, A3737S.
Identifiers: ClinVar variation 4891157 (VCV004891157.1).

ClinVar aggregate classification (germline): Uncertain significance (1 of 4 stars; one submission).

Submission:

Greenwood Genetic Center Diagnostic Laboratories, Greenwood Genetic Center
Classification: Uncertain significance. Last evaluated: 2026-06-16. Review status: criteria provided, single submitter. Criteria: ACMG Guidelines, 2015. Collection method: clinical testing. Allele origin: germline.
Comment: PM2, PP2